The following is an entry in ClinVar:

NM_025136.4(OPA3):c.296T>G (p.Leu99Arg)

Genes: OPA3 (outer mitochondrial membrane lipid metabolism regulator OPA3; minus strand), OPA3-RTN2 (OPA3-RTN2 readthrough; minus strand). Cytogenetic location: 19q13.32.
Variant type: single nucleotide variant.
Coding change: c.296T>G on transcript NM_025136.4 (MANE Select); coding-DNA position 296, T replaced by G.
Protein change: p.Leu99Arg; replaces leucine 99 with arginine.
Molecular consequence: missense variant. On other transcripts: intron variant (1).
Genome position (GRCh38, 1-based): chr19:45,553,758, A>C on the plus strand (T>G on the coding strand, the complement: OPA3 is on the minus strand). VCF-style: chr19-45553758-A-C. GRCh37 (hg19) VCF-style: chr19-46057016-A-C.
Other names: c.143-24302T>G (NM_001017989.3); short protein forms L99R.
Identifiers: ClinVar variation 1424376 (VCV001424376.8), dbSNP rs1555732924, ClinGen allele CA406370885.
Genomic context (GRCh38, chr19:45,553,758, plus strand): 5'-CAGGCAGCACGCTGCTCCTCCTCCTTGTGGCGCTGCTGCGCCTGGTGGCGCCAGTACTCC[A>C]GCACTAGGCAGCCGCCGCCCACGATGAAGATGGTGGCTTCGCCCAGCAGCTCTGCGCCCA-3'
Protein context (NP_079412.1, residues 89-109): IFIVGGGCLV[Leu99Arg]EYWRHQAQQR

ClinVar aggregate classification (germline): Uncertain significance (1 of 4 stars; one submission).

Conditions:
Optic atrophy 3 (OPA3). Also called: Optic atrophy 3 with cataract; OPTIC ATROPHY 3, AUTOSOMAL DOMINANT; Optic atrophy, cataract, and neurologic disorder. Identifiers: Orphanet 67036, MedGen C1833809, MONDO:0008133, OMIM 165300.
3-Methylglutaconic aciduria type 3 (MGCA3). Also called: OPA3-Related 3-Methylglutaconic Aciduria; Costeff Syndrome; OPA3, AUTOSOMAL RECESSIVE; OPTIC ATROPHY 3, AUTOSOMAL RECESSIVE. Identifiers: Orphanet 67047, MedGen C0574084, MONDO:0009787, OMIM 258501.

Submission:

Labcorp Genetics (formerly Invitae), Labcorp
Classification: Uncertain significance for 3-Methylglutaconic aciduria type 3; Optic atrophy 3. Last evaluated: 2022-12-25. Review status: criteria provided, single submitter. Criteria: Invitae Variant Classification Sherloc (09022015). Collection method: clinical testing. Allele origin: germline.
Comment: ClinVar contains an entry for this variant (Variation ID: 1424376). This variant has not been reported in the literature in individuals affected with OPA3-related conditions. This variant is not present in population databases (gnomAD no frequency). This sequence change replaces leucine, which is neutral and non-polar, with arginine, which is basic and polar, at codon 99 of the OPA3 protein (p.Leu99Arg). Algorithms developed to predict the effect of missense changes on protein structure and function are either unavailable or do not agree on the potential impact of this missense change (SIFT: "Deleterious"; PolyPhen-2: "Possibly Damaging"; Align-GVGD: "Class C0"). In summary, the available evidence is currently insufficient to determine the role of this variant in disease. Therefore, it has been classified as a Variant of Uncertain Significance.